The following is an entry in ClinVar:

NM_004715.5(CTDP1):c.559G>T (p.Val187Leu)

Gene: CTDP1 (CTD phosphatase subunit 1; plus strand). Cytogenetic location: 18q23.
Variant type: single nucleotide variant.
Coding change: c.559G>T on transcript NM_004715.5 (MANE Select); coding-DNA position 559, G replaced by T.
Protein change: p.Val187Leu; replaces valine 187 with leucine.
Molecular consequence: missense variant.
Genome position (GRCh38, 1-based): chr18:79,697,926, G>T. VCF-style: chr18-79697926-G-T. GRCh37 (hg19) VCF-style: chr18-77457926-G-T.
Other names: c.202G>T, p.Val68Leu (NM_001202504.1); c.559G>T, p.Val187Leu (NM_001318511.2, NM_048368.4); short protein forms V187L, V68L.
Identifiers: ClinVar variation 4730440 (VCV004730440.1).

ClinVar aggregate classification (germline): Uncertain significance (1 of 4 stars; one submission).

Submission:

Labcorp Genetics (formerly Invitae), Labcorp
Classification: Uncertain significance. Last evaluated: 2025-11-03. Review status: criteria provided, single submitter. Criteria: Invitae Variant Classification Sherloc (09022015). Collection method: clinical testing. Allele origin: germline.
Comment: This sequence change replaces valine, which is neutral and non-polar, with leucine, which is neutral and non-polar, at codon 187 of the CTDP1 protein (p.Val187Leu). This variant is not present in population databases (gnomAD no frequency). This variant has not been reported in the literature in individuals affected with CTDP1-related conditions. An algorithm developed to predict the effect of missense changes on protein structure and function (PolyPhen-2) suggests that this variant is likely to be disruptive. In summary, the available evidence is currently insufficient to determine the role of this variant in disease. Therefore, it has been classified as a Variant of Uncertain Significance.